The following is an entry in ClinVar:

ClinVar aggregate classification (germline): Benign (0 of 4 stars; one submission).

Conditions:
ANXA1-related disorder. Also called: ANXA1-related condition.

Allele frequency attached by ClinVar (database versions not stated): gnomAD exomes 0.00061; ExAC 0.00205; gnomAD 0.00657; ESP Exome Variant Server 0.00723; TOPMed 0.00756; 1000 Genomes Project 0.00779; 1000 Genomes Project 30x 0.00828.
gnomAD v4.1: 1,953 of 1,612,494 alleles (0.12%); highest among the groups gnomAD compares: African/African-American, 2.2%; 20 homozygotes.

Submission:

PreventionGenetics, part of Exact Sciences
Classification: Benign for ANXA1-related condition. Last evaluated: 2019-10-28. Review status: no assertion criteria provided. Collection method: clinical testing. Allele origin: germline.
Comment: This variant is classified as benign based on ACMG/AMP sequence variant interpretation guidelines (Richards et al. 2015 PMID: 25741868, with internal and published modifications).

NM_000700.3(ANXA1):c.176-7T>C

Gene: ANXA1 (annexin A1; plus strand). Cytogenetic location: 9q21.13.
Variant type: single nucleotide variant.
Coding change: c.176-7T>C on transcript NM_000700.3 (MANE Select); 7 bases into the intron before coding-DNA position 176, T replaced by C.
Molecular consequence: intron variant.
Genome position (GRCh38, 1-based): chr9:73,159,322, T>C. VCF-style: chr9-73159322-T-C. GRCh37 (hg19) VCF-style: chr9-75774238-T-C.
Identifiers: ClinVar variation 3044249 (VCV003044249.2), dbSNP rs10114350, ClinGen allele CA5082892.